The following is an entry in ClinVar:

ClinVar aggregate classification (germline): Benign (0 of 4 stars; one submission).

Conditions:
ITIH4-related disorder. Also called: ITIH4-related condition.

Allele frequency attached by ClinVar (database versions not stated): gnomAD exomes 0.02309; ExAC 0.09729; gnomAD 0.10998; ESP Exome Variant Server 0.11660; TOPMed 0.11938; 1000 Genomes Project 0.17073; 1000 Genomes Project 30x 0.17614.
gnomAD v4.1: 50,910 of 1,602,668 alleles (3.2%); highest among the groups gnomAD compares: African/African-American, 36%; 7,437 homozygotes.

Submission:

PreventionGenetics, part of Exact Sciences
Classification: Benign for ITIH4-related condition. Last evaluated: 2019-11-06. Review status: no assertion criteria provided. Collection method: clinical testing. Allele origin: germline.
Comment: This variant is classified as benign based on ACMG/AMP sequence variant interpretation guidelines (Richards et al. 2015 PMID: 25741868, with internal and published modifications).

NM_002218.5(ITIH4):c.2142G>C (p.Met714Ile)

Gene: ITIH4 (inter-alpha-trypsin inhibitor heavy chain 4; minus strand). Cytogenetic location: 3p21.1.
Variant type: single nucleotide variant.
Coding change: c.2142G>C on transcript NM_002218.5 (MANE Select); coding-DNA position 2142, G replaced by C.
Protein change: p.Met714Ile; replaces methionine 714 with isoleucine.
Molecular consequence: missense variant.
Genome position (GRCh38, 1-based): chr3:52,818,472, C>G on the plus strand (G>C on the coding strand, the complement: ITIH4 is on the minus strand). VCF-style: chr3-52818472-C-G. GRCh37 (hg19) VCF-style: chr3-52852488-C-G.
Other names: c.2052G>C, p.Met684Ile (NM_001166449.2); short protein forms M684I, M714I.
Identifiers: ClinVar variation 3059503 (VCV003059503.2), dbSNP rs2256734, ClinGen allele CA2449095.